The following is an entry in ClinVar:

ClinVar aggregate classification (germline): Pathogenic (1 of 4 stars; one submission).

Conditions:
Combined immunodeficiency due to LRBA deficiency. Also called: Common variable immunodeficiency 8, with autoimmunity. Identifiers: Orphanet 445018, MedGen C3553512, MONDO:0013863, OMIM 614700.

Submission:

Labcorp Genetics (formerly Invitae), Labcorp
Classification: Pathogenic for Combined immunodeficiency due to LRBA deficiency. Last evaluated: 2020-03-06. Review status: criteria provided, single submitter. Criteria: Invitae Variant Classification Sherloc (09022015). Collection method: clinical testing. Allele origin: germline.
Comment: For these reasons, this variant has been classified as Pathogenic. This sequence change creates a premature translational stop signal (p.Asn6Serfs*2) in the LRBA gene. It is expected to result in an absent or disrupted protein product. This variant is not present in population databases (ExAC no frequency). This variant has not been reported in the literature in individuals with LRBA-related disease. Loss-of-function variants in LRBA are known to be pathogenic (PMID: 26206937, 26768763).

Literature cited by the submitters: PubMed 26206937; PubMed 26768763.

NM_001364905.1(LRBA):c.4_16dup (p.Asn6delinsSerTer)

Gene: LRBA (LPS responsive beige-like anchor protein; minus strand). Cytogenetic location: 4q31.3.
Variant type: Duplication.
Coding change: c.4_16dup on transcript NM_001364905.1 (MANE Select); coding-DNA positions 4 to 16, 13 bases duplicated (GCTAGCGAAGACA).
Protein change: p.Asn6delinsSerTer.
Molecular consequence: nonsense. On other transcripts: frameshift variant (2).
Genome position (GRCh38, 1-based): chr4:151,014,627-151,014,639, TGTCTTCGCTAGC duplicated on the plus strand (GCTAGCGAAGACA on the coding strand, the reverse complement: LRBA is on the minus strand). VCF-style (leftmost placement, unchanged base first): chr4-151014626-T-TTGTCTTCGCTAGC. GRCh37 (hg19) VCF-style: chr4-151935778-T-TTGTCTTCGCTAGC.
Other names: c.4_16dup, p.Asn6Serfs (NM_001199282.3, NM_006726.5); c.4_16dup, p.Asn6delinsSerTer (NM_001367550.1); c.4_16dupGCTAGCGAAGACA (NM_006726.4).
Identifiers: ClinVar variation 540378 (VCV000540378.6), dbSNP rs1554020278, ClinGen allele CA658796473.
Genomic context (GRCh38, chr4:151,014,626, plus strand): 5'-GTTTCTTCTCTCCCTCCACCTCCCCCGTCATCACCTGTTGGTGGCGGGGAAGGGACACGA[T>TTGTCTTCGCTAGC]TGTCTTCGCTAGCCATTGCTAGCTCACGATAAAGGACAACTCAGAGTCACCCTGGGACGG-3'